The following is an entry in ClinVar:

NM_023110.3(FGFR1):c.621+6TG[5]

Gene: FGFR1 (fibroblast growth factor receptor 1; minus strand). Cytogenetic location: 8p11.23.
Variant type: Microsatellite.
Coding change: c.621+6TG[5] on transcript NM_023110.3 (MANE Select); five copies in a row of the 2-base unit TG starting at c.621+6; the reference has four copies in a row; one copy, 2 bases duplicated.
Molecular consequence: intron variant.
Genome position (GRCh38, 1-based): chr8:38,427,908-38,427,909, CA duplicated on the plus strand (TG on the coding strand, the reverse complement: FGFR1 is on the minus strand); duplicating any 2 consecutive bases within chr8:38,427,908-38,427,916 gives the same sequence; the position shown is the placement nearest the transcript's 3' end. VCF-style (leftmost placement, unchanged base first): chr8-38427907-G-GCA. GRCh37 (hg19) VCF-style: chr8-38285425-G-GCA.
Other names: c.348+6TG[5] (NM_001354368.2, NM_001354370.2, NM_023106.3); c.354+6TG[5] (NM_023105.3, NM_001174066.2); c.615+6TG[5] (NM_001354367.2, NM_015850.4, NM_001354369.2 and 1 more transcripts); c.621+6TG[5] (NM_001174063.2); c.597+6TG[5] (NM_001174064.2); c.714+6TG[5] (NM_001174067.2).
Identifiers: ClinVar variation 1691563 (VCV001691563.5), dbSNP rs1029159311, ClinGen allele CA2580614329.

ClinVar aggregate classification (germline): Uncertain significance. Review status: criteria provided, multiple submitters, no conflicts (2 of 4 stars). 2 submissions from 2 submitters: Uncertain significance (2). Last evaluated 2022-05-31.

Submissions (2):

Centre of Medical Genetics, University Hospital Muenster
Classification: Uncertain significance. Last evaluated: 2022-05-31. Review status: criteria provided, single submitter. Criteria: ACMG Guidelines, 2015. Collection method: clinical testing. Allele origin: unknown. Affected: yes. Observed: 1 variant allele, 1 heterozygote.
Comment: ACMG categories: PM2

Breakthrough Genomics
Classification: Uncertain significance. Review status: criteria provided, single submitter. Criteria: ACMG Guidelines, 2015. Collection method: not provided. Allele origin: germline. Inheritance: Autosomal recessive inheritance. Affected: yes.